The following is an entry in ClinVar:

ClinVar aggregate classification (germline): Uncertain significance (1 of 4 stars; one submission).

Conditions:
Trichothiodystrophy 1, photosensitive (TTD1). Also called: TAY SYNDROME; TRICHOTHIODYSTROPHY WITH CONGENITAL ICHTHYOSIS; PIBIDS SYNDROME. Identifiers: Orphanet 33364, MedGen C1866504, MONDO:0011125, OMIM 601675.

Submission:

Baylor Genetics
Classification: Uncertain significance for Trichothiodystrophy 1, photosensitive. Last evaluated: 2020-07-14. Review status: criteria provided, single submitter. Criteria: ACMG Guidelines, 2015. Collection method: clinical testing. Allele origin: unknown. Affected: yes. Study: CSER-TexasKidsCanSeq.
Comment: This variant was determined to be of uncertain significance according to ACMG Guidelines, 2015 [PMID:25741868].

NM_000400.4(ERCC2):c.1425_1426insAAGATCCTGGA (p.Val476fs)

Gene: ERCC2 (ERCC excision repair 2, TFIIH core complex helicase subunit; minus strand). Cytogenetic location: 19q13.32.
Variant type: Insertion.
Coding change: c.1425_1426insAAGATCCTGGA on transcript NM_000400.4 (MANE Select); coding-DNA positions 1425 to 1426, AAGATCCTGGA inserted.
Protein change: p.Val476fs; shifts the reading frame from valine 476.
Molecular consequence: frameshift variant.
Genome position: GRCh38 VCF-style: chr19-45357323-C-CTCCAGGATCTT. GRCh37 (hg19) VCF-style: chr19-45860581-C-CTCCAGGATCTT.
Other names: short protein forms V476fs.
Identifiers: ClinVar variation 998350 (VCV000998350.1), dbSNP rs1972045362, ClinGen allele CA1139532035.